The following is an entry in ClinVar:

NM_024675.4(PALB2):c.1247T>C (p.Met416Thr)

Gene: PALB2 (partner and localizer of BRCA2; minus strand). Cytogenetic location: 16p12.2.
Variant type: single nucleotide variant.
Coding change: c.1247T>C on transcript NM_024675.4 (MANE Select); coding-DNA position 1247, T replaced by C.
Protein change: p.Met416Thr; replaces methionine 416 with threonine.
Molecular consequence: missense variant. On other transcripts: intron variant (3).
Genome position (GRCh38, 1-based): chr16:23,635,299, A>G on the plus strand (T>C on the coding strand, the complement: PALB2 is on the minus strand). VCF-style: chr16-23635299-A-G. GRCh37 (hg19) VCF-style: chr16-23646620-A-G.
Other names: c.1187T>C, p.Met396Thr (NM_001407296.1); c.1247T>C, p.Met416Thr (NM_001407297.1, NM_001407298.1, NM_001407299.1 and 3 more transcripts); c.362T>C, p.Met121Thr (NM_001407304.1, NM_001407305.1, NM_001407306.1 and 5 more transcripts); c.48+5811T>C (NM_001407314.1); c.-104-4830T>C (NM_001407313.1, NM_001407312.1); short protein forms M121T, M396T, M416T.
Identifiers: ClinVar variation 4841300 (VCV004841300.1).

ClinVar aggregate classification (germline): Uncertain significance (1 of 4 stars; one submission).

Conditions:
Hereditary cancer-predisposing syndrome. Also called: Neoplastic Syndromes, Hereditary; Tumor predisposition; Hereditary Cancer Syndrome; Hereditary neoplastic syndrome. Identifiers: Orphanet 140162, MedGen C0027672, MeSH D009386, MONDO:0015356.

Submission:

Ambry Genetics
Classification: Uncertain significance for Hereditary cancer-predisposing syndrome. Last evaluated: 2026-01-06. Review status: criteria provided, single submitter. Criteria: Ambry Variant Classification Scheme 2023. Collection method: clinical testing. Allele origin: germline.
Comment: The p.M416T variant (also known as c.1247T>C), located in coding exon 4 of the PALB2 gene, results from a T to C substitution at nucleotide position 1247. The methionine at codon 416 is replaced by threonine, an amino acid with similar properties. This amino acid position is highly conserved in available vertebrate species. In addition, the in silico prediction for this alteration is inconclusive. Based on the available evidence, the clinical significance of this variant remains unclear.